The following is an entry in ClinVar:

ClinVar aggregate classification (germline): Uncertain significance (1 of 4 stars; one submission).

Allele frequency attached by ClinVar (database versions not stated): gnomAD exomes below 0.00001; gnomAD 0.00001; TOPMed 0.00002.
gnomAD v4.1: 7 of 1,614,036 alleles (0.00043%); highest among the groups gnomAD compares: African/African-American, 0.0067%; no homozygotes.

Submission:

Labcorp Genetics (formerly Invitae), Labcorp
Classification: Uncertain significance. Last evaluated: 2024-11-11. Review status: criteria provided, single submitter. Criteria: Invitae Variant Classification Sherloc (09022015). Collection method: clinical testing. Allele origin: germline.
Comment: This sequence change falls in intron 9 of the UPB1 gene. It does not directly change the encoded amino acid sequence of the UPB1 protein. It affects a nucleotide within the consensus splice site. This variant is present in population databases (no rsID available, gnomAD 0.01%). This variant has not been reported in the literature in individuals affected with UPB1-related conditions. ClinVar contains an entry for this variant (Variation ID: 1939224). Variants that disrupt the consensus splice site are a relatively common cause of aberrant splicing (PMID: 17576681, 9536098). Algorithms developed to predict the effect of sequence changes on RNA splicing suggest that this variant is not likely to affect RNA splicing. In summary, the available evidence is currently insufficient to determine the role of this variant in disease. Therefore, it has been classified as a Variant of Uncertain Significance.

Literature cited by the submitters: PubMed 17576681; PubMed 9536098.

NM_016327.3(UPB1):c.1071+6T>C

Gene: UPB1 (beta-ureidopropionase 1; plus strand). Cytogenetic location: 22q11.23.
Variant type: single nucleotide variant.
Coding change: c.1071+6T>C on transcript NM_016327.3 (MANE Select); 6 bases into the intron after coding-DNA position 1071, T replaced by C.
Molecular consequence: intron variant.
Genome position (GRCh38, 1-based): chr22:24,523,779, T>C. VCF-style: chr22-24523779-T-C. GRCh37 (hg19) VCF-style: chr22-24919747-T-C.
Identifiers: ClinVar variation 1939224 (VCV001939224.5), dbSNP rs1165158469, ClinGen allele CA638720677.